The following is an entry in ClinVar:

ClinVar aggregate classification (germline): Uncertain significance (1 of 4 stars; one submission).

Conditions:
Bethlem myopathy 1A. Also called: MYOPATHY, BENIGN CONGENITAL, WITH CONTRACTURES; Bethlem myopathy 1; Bethlem Muscular Dystrophy. Identifiers: Orphanet 610, MedGen CN029274, MONDO:0024530, OMIM 158810.

Submission:

Labcorp Genetics (formerly Invitae), Labcorp
Classification: Uncertain significance for Bethlem myopathy 1A. Last evaluated: 2023-12-30. Review status: criteria provided, single submitter. Criteria: Invitae Variant Classification Sherloc (09022015). Collection method: clinical testing. Allele origin: germline.
Comment: This sequence change replaces lysine, which is basic and polar, with glutamine, which is neutral and polar, at codon 2834 of the COL6A3 protein (p.Lys2834Gln). This variant is not present in population databases (gnomAD no frequency). This variant has not been reported in the literature in individuals affected with COL6A3-related conditions. Advanced modeling of protein sequence and biophysical properties (such as structural, functional, and spatial information, amino acid conservation, physicochemical variation, residue mobility, and thermodynamic stability) performed at Invitae indicates that this missense variant is not expected to disrupt COL6A3 protein function with a negative predictive value of 80%. In summary, the available evidence is currently insufficient to determine the role of this variant in disease. Therefore, it has been classified as a Variant of Uncertain Significance.

NM_004369.4(COL6A3):c.8500A>C (p.Lys2834Gln)

Gene: COL6A3 (collagen type VI alpha 3 chain; minus strand). Cytogenetic location: 2q37.3.
Variant type: single nucleotide variant.
Coding change: c.8500A>C on transcript NM_004369.4 (MANE Select); coding-DNA position 8500, A replaced by C.
Protein change: p.Lys2834Gln; replaces lysine 2834 with glutamine.
Molecular consequence: missense variant.
Genome position (GRCh38, 1-based): chr2:237,339,082, T>G on the plus strand (A>C on the coding strand, the complement: COL6A3 is on the minus strand). VCF-style: chr2-237339082-T-G. GRCh37 (hg19) VCF-style: chr2-238247725-T-G.
Other names: c.6679A>C, p.Lys2227Gln (NM_057166.5); c.7882A>C, p.Lys2628Gln (NM_057167.4); short protein forms K2628Q, K2834Q, K2227Q.
Identifiers: ClinVar variation 2706462 (VCV002706462.3), dbSNP rs2469800103, ClinGen allele CA351192968.